The following is an entry in ClinVar:

ClinVar aggregate classification (germline): Benign. Review status: criteria provided, multiple submitters, no conflicts (2 of 4 stars). 2 submissions from 2 submitters: Benign (2). Last evaluated 2018-06-19.

Allele frequency attached by ClinVar (database versions not stated): 1000 Genomes Project 0.05950; TOPMed 0.10907; gnomAD 0.11257 and 0.11485.
gnomAD v4.1: 16,988 of 150,762 alleles (11%); highest among the groups gnomAD compares: Middle Eastern, 18%; 1,229 homozygotes.

Submissions (2):

GeneDx
Classification: Benign. Last evaluated: 2018-06-19. Review status: criteria provided, single submitter. Criteria: GeneDx Variant Classification (06012015). Collection method: clinical testing. Allele origin: germline. Affected: yes.
Comment: This variant is considered likely benign or benign based on one or more of the following criteria: it is a conservative change, it occurs at a poorly conserved position in the protein, it is predicted to be benign by multiple in silico algorithms, and/or has population frequency not consistent with disease.

Breakthrough Genomics
Classification: Benign. Review status: criteria provided, single submitter. Criteria: ACMG Guidelines, 2015. Collection method: not provided. Allele origin: germline. Inheritance: Autosomal recessive inheritance. Affected: yes.

NM_017875.4(SLC25A38):c.793-175A>T

Gene: SLC25A38 (solute carrier family 25 member 38; plus strand). Cytogenetic location: 3p22.1.
Variant type: single nucleotide variant.
Coding change: c.793-175A>T on transcript NM_017875.4 (MANE Select); 175 bases into the intron before coding-DNA position 793, A replaced by T.
Molecular consequence: intron variant.
Genome position (GRCh38, 1-based): chr3:39,396,223, A>T. VCF-style: chr3-39396223-A-T. GRCh37 (hg19) VCF-style: chr3-39437714-A-T.
Other names: c.626-175A>T (NM_001354798.2).
Identifiers: ClinVar variation 671880 (VCV000671880.2), dbSNP rs73058289, ClinGen allele CA16140528.